The following is an entry in ClinVar:

NM_016356.5(DCDC2):c.355C>T (p.Pro119Ser)

Gene: DCDC2 (doublecortin domain containing 2; minus strand). Cytogenetic location: 6p22.3.
Variant type: single nucleotide variant.
Coding change: c.355C>T on transcript NM_016356.5 (MANE Select); coding-DNA position 355, C replaced by T.
Protein change: p.Pro119Ser; replaces proline 119 with serine.
Molecular consequence: missense variant.
Genome position (GRCh38, 1-based): chr6:24,302,038, G>A on the plus strand (C>T on the coding strand, the complement: DCDC2 is on the minus strand). VCF-style: chr6-24302038-G-A. GRCh37 (hg19) VCF-style: chr6-24302266-G-A.
Other names: c.355C>T (NM_016356.3); c.355C>T, p.Pro119Ser (NM_001195610.2); short protein forms P119S.
Identifiers: ClinVar variation 466325 (VCV000466325.9), dbSNP rs1056029060, ClinGen allele CA136637338.

ClinVar aggregate classification (germline): Uncertain significance. Review status: criteria provided, multiple submitters, no conflicts (2 of 4 stars). 5 submissions from 5 submitters: Uncertain significance (5). Last evaluated 2026-02-03.

Conditions:
DCDC2-related disorder. Also called: DCDC2-related condition.
Inborn genetic diseases. Identifiers: MedGen C0950123, MeSH D030342.
Isolated neonatal sclerosing cholangitis (NSC). Also called: Sclerosing cholangitis, neonatal. Identifiers: Orphanet 480556, MedGen C4479344, MONDO:0018816, OMIM 617394.
Autosomal recessive nonsyndromic hearing loss 66 (DFNB66). Also called: Deafness, autosomal recessive 66. Identifiers: Orphanet 90636, MedGen C1857750, MONDO:0012442, OMIM 610212.
Nephronophthisis 19 (NPHP19). Identifiers: Orphanet 84081, MedGen C4015542, MONDO:0014537, OMIM 616217.

Allele frequency attached by ClinVar (database versions not stated): gnomAD exomes 0.00002 and 0.00003; TOPMed 0.00003; gnomAD 0.00005 and 0.00006.
gnomAD v4.1: 57 of 1,609,582 alleles (0.0035%); highest among the groups gnomAD compares: Non-Finnish European, 0.0046%; no homozygotes.

Submissions (5):

PreventionGenetics, part of Exact Sciences
Classification: Uncertain significance for DCDC2-related condition. Last evaluated: 2026-02-03. Review status: criteria provided, single submitter. Criteria: ACMG Guidelines, 2015. Collection method: clinical testing. Allele origin: germline.
Comment: The DCDC2 c.355C>T variant is predicted to result in the amino acid substitution p.Pro119Ser. To our knowledge, this variant has not been reported in the literature. This variant is reported in 0.0040% of alleles in individuals of African descent in gnomAD. At this time, the clinical significance of this variant is uncertain due to the absence of conclusive functional and genetic evidence.

Ambry Genetics
Classification: Uncertain significance for Inborn genetic diseases. Last evaluated: 2024-11-14. Review status: criteria provided, single submitter. Criteria: Ambry Variant Classification Scheme 2023. Collection method: clinical testing. Allele origin: germline.

Fulgent Genetics
Classification: Uncertain significance for Autosomal recessive nonsyndromic hearing loss 66; Nephronophthisis 19; Isolated neonatal sclerosing cholangitis. Last evaluated: 2024-02-21. Review status: criteria provided, single submitter. Criteria: ACMG Guidelines, 2015. Collection method: clinical testing. Allele origin: germline.

Labcorp Genetics (formerly Invitae), Labcorp
Classification: Uncertain significance for Autosomal recessive nonsyndromic hearing loss 66; Isolated neonatal sclerosing cholangitis. Last evaluated: 2021-08-27. Review status: criteria provided, single submitter. Criteria: Invitae Variant Classification Sherloc (09022015). Collection method: clinical testing. Allele origin: germline.
Comment: This sequence change replaces proline with serine at codon 119 of the DCDC2 protein (p.Pro119Ser). The proline residue is highly conserved and there is a moderate physicochemical difference between proline and serine. This variant is not present in population databases (ExAC no frequency). This variant has not been reported in the literature in individuals affected with DCDC2-related conditions. Algorithms developed to predict the effect of missense changes on protein structure and function (SIFT, PolyPhen-2, Align-GVGD) all suggest that this variant is likely to be disruptive. In summary, the available evidence is currently insufficient to determine the role of this variant in disease. Therefore, it has been classified as a Variant of Uncertain Significance.

Eurofins Ntd Llc (ga)
Classification: Uncertain significance. Last evaluated: 2018-04-19. Review status: criteria provided, single submitter. Criteria: EGL ClinVar v180209 classification definitions. Collection method: clinical testing. Allele origin: germline. Observed: 1 variant allele, 1 heterozygote.